The following is an entry in ClinVar:

NM_002693.3(POLG):c.1413C>A (p.Cys471Ter)

Gene: POLG (DNA polymerase gamma, catalytic subunit; minus strand). Cytogenetic location: 15q26.1.
Variant type: single nucleotide variant.
Coding change: c.1413C>A on transcript NM_002693.3 (MANE Select); coding-DNA position 1413, C replaced by A.
Protein change: p.Cys471Ter; replaces cysteine 471 with a stop codon.
Molecular consequence: nonsense.
Genome position (GRCh38, 1-based): chr15:89,327,187, G>T on the plus strand (C>A on the coding strand, the complement: POLG is on the minus strand). VCF-style: chr15-89327187-G-T. GRCh37 (hg19) VCF-style: chr15-89870418-G-T.
Other names: c.1413C>A, p.Cys471Ter (NM_001126131.2); short protein forms C471*.
Identifiers: ClinVar variation 4996333 (VCV004996333.1).

ClinVar aggregate classification (germline): Likely pathogenic (1 of 4 stars; one submission).

Conditions:
POLG-related disorder. Also called: POLG-Related Spectrum Disorders; POLG-related condition; POLG-Related Disorders. Identifiers: MedGen C4763519.

Submission:

PreventionGenetics, part of Exact Sciences
Classification: Likely pathogenic for POLG-related condition. Last evaluated: 2025-08-13. Review status: criteria provided, single submitter. Criteria: ACMG Guidelines, 2015. Collection method: clinical testing. Allele origin: germline.
Comment: The POLG c.1413C>A variant is predicted to result in premature protein termination (p.Cys471*). To our knowledge, this variant has not been reported in the literature or in a large population database (gnomAD), indicating this variant is rare. Nonsense variants in POLG are expected to be pathogenic. This variant is interpreted as likely pathogenic.